The following is an entry in ClinVar:

NM_001036.6(RYR3):c.12406C>G (p.Leu4136Val)

Gene: RYR3 (ryanodine receptor 3; plus strand). Cytogenetic location: 15q14.
Variant type: single nucleotide variant.
Coding change: c.12406C>G on transcript NM_001036.6 (MANE Select); coding-DNA position 12406, C replaced by G.
Protein change: p.Leu4136Val; replaces leucine 4136 with valine.
Molecular consequence: missense variant.
Genome position (GRCh38, 1-based): chr15:33,838,386, C>G. VCF-style: chr15-33838386-C-G. GRCh37 (hg19) VCF-style: chr15-34130587-C-G.
Other names: c.12391C>G, p.Leu4131Val (NM_001243996.4); short protein forms L4131V, L4136V.
Identifiers: ClinVar variation 3896973 (VCV003896973.1).
Genomic context (GRCh38, chr15:33,838,386, plus strand): 5'-GAAGATGAAGATTCTTCTTACGTGTTAGAAATTGCGGGTGAAGAGGAAGAAGACGGGTCT[C>G]TTGAGCCGGCCTCTGCATTTGCTATGGCCTGTGCCTCTGTGAAGAGGAATGTCACCGACT-3'
Protein context (NP_001027.3, residues 4126-4146): IAGEEEEDGS[Leu4136Val]EPASAFAMAC

ClinVar aggregate classification (germline): Uncertain significance (1 of 4 stars; one submission).

Conditions:
Congenital myopathy 20 (CMYO20). Identifiers: MedGen C5830393, MONDO:0957215, OMIM 620310.

Submission:

Kariminejad - Najmabadi Pathology & Genetics Center
Classification: Uncertain significance for Congenital myopathy 20. Last evaluated: 2023-11-25. Review status: criteria provided, single submitter. Criteria: ACMG Guidelines, 2015. Collection method: clinical testing. Allele origin: germline. Inheritance: Autosomal recessive inheritance. Affected: yes.
Comment: PM2,BP1